The following is an entry in ClinVar:

NM_003334.4(UBA1):c.2299G>A (p.Ala767Thr)

Gene: UBA1 (ubiquitin like modifier activating enzyme 1; plus strand). Cytogenetic location: Xp11.3.
Variant type: single nucleotide variant.
Coding change: c.2299G>A on transcript NM_003334.4 (MANE Select); coding-DNA position 2299, G replaced by A.
Protein change: p.Ala767Thr; replaces alanine 767 with threonine.
Molecular consequence: missense variant.
Genome position (GRCh38, 1-based): chrX:47,211,060, G>A. VCF-style: chrX-47211060-G-A. GRCh37 (hg19) VCF-style: chrX-47070459-G-A.
Other names: c.2299G>A, p.Ala767Thr (NM_153280.3); short protein forms A767T.
Identifiers: ClinVar variation 703039 (VCV000703039.15), dbSNP rs187589555, ClinGen allele CA10396104.

ClinVar aggregate classification (germline): Likely benign. Review status: criteria provided, multiple submitters, no conflicts (2 of 4 stars). 3 submissions from 3 submitters: Likely benign (3). Last evaluated 2025-01-27.

Conditions:
UBA1-related disorder. Also called: UBA1-related condition.
Inborn genetic diseases. Identifiers: MedGen C0950123, MeSH D030342.
Infantile-onset X-linked spinal muscular atrophy. Also called: Spinal Muscular Atrophy, X-Linked Infantile; SPINAL MUSCULAR ATROPHY, X-LINKED LETHAL INFANTILE; Spinal muscular atrophy, X-linked 2; ARTHROGRYPOSIS, X-LINKED, TYPE I; AMC, DISTAL, X-LINKED. Identifiers: Orphanet 1145, MedGen C1844934, MONDO:0010532, OMIM 301830.

Allele frequency attached by ClinVar (database versions not stated): gnomAD exomes 0.00001 and 0.00005; ExAC 0.00002; gnomAD 0.00022 and 0.00025; 1000 Genomes Project 0.00026; 1000 Genomes Project 30x 0.00042; TOPMed 0.00059.
gnomAD v4.1: 52 of 1,209,933 alleles (0.0043%); highest among the groups gnomAD compares: Admixed American, 0.076%; 1 homozygote.

Submissions (3):

PreventionGenetics, part of Exact Sciences
Classification: Likely benign for UBA1-related condition. Last evaluated: 2025-01-27. Review status: criteria provided, single submitter. Criteria: ACMG Guidelines, 2015. Collection method: clinical testing. Allele origin: germline.
Comment: This variant is classified as likely benign based on ACMG/AMP sequence variant interpretation guidelines (Richards et al. 2015 PMID: 25741868, with internal and published modifications).

Labcorp Genetics (formerly Invitae), Labcorp
Classification: Likely benign for Infantile-onset X-linked spinal muscular atrophy. Last evaluated: 2024-05-05. Review status: criteria provided, single submitter. Criteria: Invitae Variant Classification Sherloc (09022015). Collection method: clinical testing. Allele origin: germline.

Ambry Genetics
Classification: Likely benign for Inborn genetic diseases. Last evaluated: 2024-02-29. Review status: criteria provided, single submitter. Criteria: Ambry Variant Classification Scheme 2023. Collection method: clinical testing. Allele origin: germline.